The following is an entry in ClinVar:

ClinVar aggregate classification (germline): Uncertain significance (1 of 4 stars; one submission).

Conditions:
Syndromic multisystem autoimmune disease due to ITCH deficiency. Also called: AUTOIMMUNE DISEASE, MULTISYSTEM, WITH FACIAL DYSMORPHISM. Identifiers: Orphanet 228426, MedGen C3150649, MONDO:0013245, OMIM 613385.

Allele frequency attached by ClinVar (database versions not stated): gnomAD exomes below 0.00001.
gnomAD v4.1: 2 of 1,613,942 alleles (0.00012%); highest among the groups gnomAD compares: Non-Finnish European, 0.00017%; no homozygotes.

Submission:

Labcorp Genetics (formerly Invitae), Labcorp
Classification: Uncertain significance for Syndromic multisystem autoimmune disease due to ITCH deficiency. Last evaluated: 2022-04-08. Review status: criteria provided, single submitter. Criteria: Invitae Variant Classification Sherloc (09022015). Collection method: clinical testing. Allele origin: germline.
Comment: In summary, the available evidence is currently insufficient to determine the role of this variant in disease. Therefore, it has been classified as a Variant of Uncertain Significance. Algorithms developed to predict the effect of missense changes on protein structure and function are either unavailable or do not agree on the potential impact of this missense change (SIFT: "Not Available"; PolyPhen-2: "Benign"; Align-GVGD: "Not Available"). This variant has not been reported in the literature in individuals affected with ITCH-related conditions. This variant is not present in population databases (gnomAD no frequency). This sequence change replaces proline, which is neutral and non-polar, with leucine, which is neutral and non-polar, at codon 68 of the ITCH protein (p.Pro68Leu).

NM_031483.7(ITCH):c.203C>T (p.Pro68Leu)

Gene: ITCH (itchy E3 ubiquitin protein ligase; plus strand). Cytogenetic location: 20q11.22.
Variant type: single nucleotide variant.
Coding change: c.203C>T on transcript NM_031483.7 (MANE Select); coding-DNA position 203, C replaced by T.
Protein change: p.Pro68Leu; replaces proline 68 with leucine.
Molecular consequence: missense variant. On other transcripts: intron variant (1).
Genome position (GRCh38, 1-based): chr20:34,408,783, C>T. VCF-style: chr20-34408783-C-T. GRCh37 (hg19) VCF-style: chr20-32996589-C-T.
Other names: c.203C>T, p.Pro68Leu (NM_001257137.3, NM_001324197.2, NM_001324198.2); c.-118-3732C>T (NM_001257138.3); short protein forms P68L.
Identifiers: ClinVar variation 1953600 (VCV001953600.5), dbSNP rs2515520510, ClinGen allele CA408661462.